The following is an entry in ClinVar:

ClinVar aggregate classification (germline): Likely benign (1 of 4 stars; one submission).

Conditions:
Familial colorectal cancer type X. Identifiers: Orphanet 440437, MedGen C3896578, MONDO:0018604.

Submission:

Myriad Genetics, Inc.
Classification: Likely benign for Familial colorectal cancer type X. Last evaluated: 2026-07-31. Review status: criteria provided, single submitter. Criteria: Myriad Autosomal Dominant, Autosomal Recessive and X-Linked Classification Criteria (2023). Collection method: clinical testing. Allele origin: unknown.
Comment: This variant is considered likely benign. This variant is intronic and is not expected to impact mRNA splicing.

NM_001023.4(RPS20):c.3+8G>C

Gene: RPS20 (ribosomal protein S20; minus strand). Cytogenetic location: 8q12.1.
Variant type: single nucleotide variant.
Coding change: c.3+8G>C on transcript NM_001023.4 (MANE Select); 8 bases into the intron after coding-DNA position 3, G replaced by C.
Molecular consequence: intron variant.
Genome position (GRCh38, 1-based): chr8:56,074,373, C>G on the plus strand (G>C on the coding strand, the complement: RPS20 is on the minus strand). VCF-style: chr8-56074373-C-G. GRCh37 (hg19) VCF-style: chr8-56986932-C-G.
Other names: c.3+8G>C (NM_001146227.3).
Identifiers: ClinVar variation 5042118 (VCV005042118.1).